The following is an entry in ClinVar:

ClinVar aggregate classification (germline): Uncertain significance (1 of 4 stars; one submission).

Submission:

Labcorp Genetics (formerly Invitae), Labcorp
Classification: Uncertain significance. Last evaluated: 2022-05-14. Review status: criteria provided, single submitter. Criteria: Invitae Variant Classification Sherloc (09022015). Collection method: clinical testing. Allele origin: germline.
Comment: In summary, the available evidence is currently insufficient to determine the role of this variant in disease. Therefore, it has been classified as a Variant of Uncertain Significance. Algorithms developed to predict the effect of missense changes on protein structure and function (SIFT, PolyPhen-2, Align-GVGD) all suggest that this variant is likely to be disruptive. This variant has not been reported in the literature in individuals affected with CD151-related conditions. This variant is not present in population databases (gnomAD no frequency). This sequence change replaces arginine, which is basic and polar, with glycine, which is neutral and non-polar, at codon 87 of the CD151 protein (p.Arg87Gly).

NM_004357.5(CD151):c.259C>G (p.Arg87Gly)

Gene: CD151 (CD151 molecule (Raph blood group); plus strand). Cytogenetic location: 11p15.5.
Variant type: single nucleotide variant.
Coding change: c.259C>G on transcript NM_004357.5 (MANE Select); coding-DNA position 259, C replaced by G.
Protein change: p.Arg87Gly; replaces arginine 87 with glycine.
Molecular consequence: missense variant.
Genome position (GRCh38, 1-based): chr11:836,425, C>G. VCF-style: chr11-836425-C-G. GRCh37 (hg19) VCF-style: chr11-836425-C-G.
Other names: c.259C>G, p.Arg87Gly (NM_001039490.2, NM_139029.2, NM_139030.4); short protein forms R87G.
Identifiers: ClinVar variation 1994329 (VCV001994329.4), dbSNP rs1407624047, ClinGen allele CA378994155.